The following is an entry in ClinVar:

NM_206926.2(SELENON):c.609C>A (p.Asn203Lys)

Gene: SELENON (selenoprotein N; plus strand). Cytogenetic location: 1p36.11.
Variant type: single nucleotide variant.
Coding change: c.609C>A on transcript NM_206926.2 (MANE Select); coding-DNA position 609, C replaced by A.
Protein change: p.Asn203Lys; replaces asparagine 203 with lysine.
Molecular consequence: missense variant.
Genome position (GRCh38, 1-based): chr1:25,808,753, C>A. VCF-style: chr1-25808753-C-A. GRCh37 (hg19) VCF-style: chr1-26135244-C-A.
Other names: c.711C>A, p.Asn237Lys (NM_020451.3); short protein forms N203K, N237K.
Identifiers: ClinVar variation 2443372 (VCV002443372.2), dbSNP rs2524982291, ClinGen allele CA339112386.

ClinVar aggregate classification (germline): Uncertain significance. Review status: criteria provided, multiple submitters, no conflicts (2 of 4 stars). 2 submissions from 2 submitters: Uncertain significance (2). Last evaluated 2025-08-22.

Conditions:
Inborn genetic diseases. Identifiers: MedGen C0950123, MeSH D030342.

Submissions (2):

Ambry Genetics
Classification: Uncertain significance for Inborn genetic diseases. Last evaluated: 2025-08-22. Review status: criteria provided, single submitter. Criteria: Ambry Variant Classification Scheme 2023. Collection method: clinical testing. Allele origin: germline.

GeneDx
Classification: Uncertain significance. Last evaluated: 2022-09-08. Review status: criteria provided, single submitter. Criteria: GeneDx Variant Classification Process June 2021. Collection method: clinical testing. Allele origin: germline. Affected: yes.
Comment: Not observed at significant frequency in large population cohorts (gnomAD); In silico analysis supports that this missense variant has a deleterious effect on protein structure/function; Has not been previously published as pathogenic or benign to our knowledge